The following is an entry in ClinVar:

NM_001353921.2(ARHGEF9):c.1264C>T (p.Arg422Cys)

Gene: ARHGEF9 (Cdc42 guanine nucleotide exchange factor 9; minus strand). Cytogenetic location: Xq11.1.
Variant type: single nucleotide variant.
Coding change: c.1264C>T on transcript NM_001353921.2 (MANE Select); coding-DNA position 1264, C replaced by T.
Protein change: p.Arg422Cys; replaces arginine 422 with cysteine.
Molecular consequence: missense variant. On other transcripts: intron variant (2).
Genome position (GRCh38, 1-based): chrX:63,655,551, G>A on the plus strand (C>T on the coding strand, the complement: ARHGEF9 is on the minus strand). VCF-style: chrX-63655551-G-A. GRCh37 (hg19) VCF-style: chrX-62875431-G-A.
Other names: c.1084C>T, p.Arg362Cys (NM_001173479.2); c.937C>T, p.Arg313Cys (NM_001173480.2, NM_001369042.1); c.1180C>T, p.Arg394Cys (NM_001330495.2, NM_001369033.1, NM_001369034.1 and 4 more transcripts); c.1132C>T, p.Arg378Cys (NM_001353922.2); c.1282C>T, p.Arg428Cys (NM_001353923.1); c.1063C>T, p.Arg355Cys (NM_001353924.2, NM_001353926.2, NM_001369039.1 and 1 more transcripts); c.1048C>T, p.Arg350Cys (NM_001353927.2, NM_001369041.1); c.1111C>T, p.Arg371Cys (NM_001353928.2); and 3 more; short protein forms R233C, R313C, R350C, R355C, R362C, R371C, R378C, R394C.
Identifiers: ClinVar variation 4807725 (VCV004807725.1).
Genomic context (GRCh38, chrX:63,655,551, plus strand): 5'-TACCAATTTTTTCATCTTCCTGTACCATTTTCCTCTCTTCTCTGAAAGCCCTGAGCCAGC[G>A]TATTTTTTCCTCCAGCTTCTTGGCAAAGAACAGATGTATCTCCTCAGTCTCCTTGTTGTG-3'
Protein context (NP_001340850.1, residues 412-432): FFAKKLEEKI[Arg422Cys]WLRAFREERK

ClinVar aggregate classification (germline): Uncertain significance (1 of 4 stars; one submission).

Conditions:
Developmental and epileptic encephalopathy, 8 (DEE8). Also called: HYPEREKPLEXIA AND EPILEPSY. Identifiers: Orphanet 163985, Orphanet 2076, MedGen C1845102, MONDO:0010375, OMIM 300607.

Submission:

Labcorp Genetics (formerly Invitae), Labcorp
Classification: Uncertain significance for Developmental and epileptic encephalopathy, 8. Last evaluated: 2025-02-26. Review status: criteria provided, single submitter. Criteria: Invitae Variant Classification Sherloc (09022015). Collection method: clinical testing. Allele origin: germline.
Comment: This sequence change replaces arginine, which is basic and polar, with cysteine, which is neutral and slightly polar, at codon 415 of the ARHGEF9 protein (p.Arg415Cys). This variant is present in population databases (rs782224124, gnomAD 0.008%), including at least one homozygous and/or hemizygous individual. This variant has not been reported in the literature in individuals affected with ARHGEF9-related conditions. Invitae Evidence Modeling of protein sequence and biophysical properties (such as structural, functional, and spatial information, amino acid conservation, physicochemical variation, residue mobility, and thermodynamic stability) has been performed for this missense variant. However, the output from this modeling did not meet the statistical confidence thresholds required to predict the impact of this variant on ARHGEF9 protein function. In summary, the available evidence is currently insufficient to determine the role of this variant in disease. Therefore, it has been classified as a Variant of Uncertain Significance.